The following is an entry in ClinVar:

NM_001165963.4(SCN1A):c.404T>C (p.Met135Thr)

Gene: SCN1A (sodium voltage-gated channel alpha subunit 1; minus strand). Cytogenetic location: 2q24.3.
Variant type: single nucleotide variant.
Coding change: c.404T>C on transcript NM_001165963.4 (MANE Select); coding-DNA position 404, T replaced by C.
Protein change: p.Met135Thr; replaces methionine 135 with threonine.
Molecular consequence: missense variant. On other transcripts: 5 prime UTR variant (1), non-coding transcript variant (1).
Genome position (GRCh38, 1-based): chr2:166,056,480, A>G on the plus strand (T>C on the coding strand, the complement: SCN1A is on the minus strand). VCF-style: chr2-166056480-A-G. GRCh37 (hg19) VCF-style: chr2-166912990-A-G.
Other names: c.404T>C, p.Met135Thr (NM_001165964.3, NM_001202435.3, NM_001353948.2 and 10 more transcripts); c.-2022T>C (NM_001353961.2); short protein forms M135T.
Identifiers: ClinVar variation 801822 (VCV000801822.3), dbSNP rs1574290850, ClinGen allele CA349076100.
Genomic context (GRCh38, chr2:166,056,480, plus strand): 5'-TTTGTCCAATCAGGAGGGTTACTCATTGTCATAAACACACAGTTTGTCAAAATAGTGCAC[A>G]TAATTAGCATGCTGAATAATGTAGGTTATTGTTAAGGAACACACAAAAGAAAATCAAAAT-3'
Protein context (NP_001159435.1, residues 125-145): LVHSLFSMLI[Met135Thr]CTILTNCVFM

ClinVar aggregate classification (germline): Uncertain significance (1 of 4 stars; one submission).

Conditions:
Severe myoclonic epilepsy in infancy (DRVT). Also called: DEVELOPMENTAL AND EPILEPTIC ENCEPHALOPATHY 6A; Severe Myoclonic Epilepsy in Infancy (SMEI); Dravet syndrome; Epileptic encephalopathy, early infantile, 6 (Dravet syndrome); SEVERE MYOCLONIC EPILEPSY OF INFANCY. Identifiers: Orphanet 33069, MedGen C0751122, MONDO:0100135, OMIM 607208.

Allele frequency attached by ClinVar (database versions not stated): gnomAD exomes below 0.00001.

Submission:

Mendelics
Classification: Uncertain significance for Severe myoclonic epilepsy in infancy. Last evaluated: 2020-11-08. Review status: criteria provided, single submitter. Criteria: Mendelics Assertion Criteria 2017. Collection method: clinical testing. Allele origin: unknown.
Comment: At this moment, we are unable to know if this variant is responsible for this phenotype, and we classified it as a variant of unknown significance.